The following is an entry in ClinVar:

NM_015272.5(RPGRIP1L):c.1097_1098del (p.Leu365_Tyr366insTer)

Gene: RPGRIP1L (RPGRIP1 like; minus strand). Cytogenetic location: 16q12.2.
Variant type: Deletion.
Coding change: c.1097_1098del on transcript NM_015272.5 (MANE Select); coding-DNA positions 1097 to 1098, 2 bases deleted (AT; older notation c.1097_1098delAT).
Protein change: p.Leu365_Tyr366insTer.
Molecular consequence: nonsense.
Genome position (GRCh38, 1-based): chr16:53,671,515-53,671,516, AT deleted on the plus strand (AT on the coding strand, the reverse complement: RPGRIP1L is on the minus strand); deleting any 2 consecutive bases within chr16:53,671,515-53,671,517 gives the same sequence; the c. name uses the placement nearest the transcript's 3' end. VCF-style (leftmost placement, unchanged base first): chr16-53671514-CAT-C. GRCh37 (hg19) VCF-style: chr16-53705426-CAT-C.
Other names: c.1097_1098del, p.Leu365_Tyr366insTer (NM_001127897.4, NM_001308334.3, NM_001330538.2).
Identifiers: ClinVar variation 2944847 (VCV002944847.3), dbSNP rs2544473384, ClinGen allele CA2740093368.

ClinVar aggregate classification (germline): Pathogenic (1 of 4 stars; one submission).

Conditions:
Joubert syndrome. Also called: CEREBELLOPARENCHYMAL DISORDER IV; JOUBERT-BOLTSHAUSER SYNDROME; Familial aplasia of the vermis. Identifiers: Orphanet 475, MedGen C5979921, MONDO:0018772.
Meckel-Gruber syndrome. Also called: DYSENCEPHALIA SPLANCHNOCYSTICA; GRUBER SYNDROME; Dysencephalia splachnocystica. Identifiers: Orphanet 564, MedGen C0265215, MONDO:0018921.

Submission:

Labcorp Genetics (formerly Invitae), Labcorp
Classification: Pathogenic for Joubert syndrome; Meckel-Gruber syndrome. Last evaluated: 2023-12-02. Review status: criteria provided, single submitter. Criteria: Invitae Variant Classification Sherloc (09022015). Collection method: clinical testing. Allele origin: germline.
Comment: This sequence change creates a premature translational stop signal (p.Tyr366*) in the RPGRIP1L gene. It is expected to result in an absent or disrupted protein product. Loss-of-function variants in RPGRIP1L are known to be pathogenic (PMID: 17558409). This variant is not present in population databases (gnomAD no frequency). This variant has not been reported in the literature in individuals affected with RPGRIP1L-related conditions. For these reasons, this variant has been classified as Pathogenic.

Literature cited by the submitters: PubMed 17558409.